The following is an entry in ClinVar:

ClinVar aggregate classification (germline): Conflicting classifications of pathogenicity. Review status: criteria provided, conflicting classifications (1 of 4 stars). 13 submissions from 12 submitters: Uncertain significance (1); Benign (4); Likely benign (8). Last evaluated 2026-05-01.

Conditions:
Hereditary cancer-predisposing syndrome. Also called: Neoplastic Syndromes, Hereditary; Tumor predisposition; Hereditary Cancer Syndrome; Hereditary neoplastic syndrome. Identifiers: Orphanet 140162, MedGen C0027672, MeSH D009386, MONDO:0015356.
Hyperparathyroidism. Identifiers: MedGen C0020502, MONDO:0001741, HP:0000843.
Multiple endocrine neoplasia, type 1 (MEN1). Also called: WERMER SYNDROME; MEA I; Endocrine adenomatosis multiple; MEN 1; MEN I. Identifiers: Orphanet 652, MedGen C0025267, MeSH D018761, MONDO:0007540, OMIM 131100.

Allele frequency attached by ClinVar (database versions not stated): ExAC 0.00039; gnomAD exomes 0.00041; gnomAD 0.00048; TOPMed 0.00067; ESP Exome Variant Server 0.00085.
gnomAD v4.1: 1,600 of 1,613,942 alleles (0.099%); highest among the groups gnomAD compares: Non-Finnish European, 0.13%; no homozygotes.

Submissions (13):

CeGaT Center for Human Genetics Tuebingen
Classification: Likely benign. Last evaluated: 2026-05-01. Review status: criteria provided, single submitter. Criteria: CeGaT Center For Human Genetics Tuebingen Variant Classification Criteria Version 2. Collection method: clinical testing. Allele origin: germline. Affected: yes. Observed: 4 variant alleles.
Comment: MEN1: BS1

Labcorp Genetics (formerly Invitae), Labcorp
Classification: Benign for Multiple endocrine neoplasia, type 1. Last evaluated: 2026-02-02. Review status: criteria provided, single submitter. Criteria: Invitae Variant Classification Sherloc (09022015). Collection method: clinical testing. Allele origin: germline.

Center for Genomic Medicine, Rigshospitalet, Copenhagen University Hospital
Classification: Likely benign. Last evaluated: 2025-03-04. Review status: criteria provided, single submitter. Criteria: ACMG Guidelines, 2015. Collection method: clinical testing. Allele origin: germline.

Myriad Genetics, Inc.
Classification: Benign for Multiple endocrine neoplasia, type 1. Last evaluated: 2024-11-04. Review status: criteria provided, single submitter. Criteria: Myriad Autosomal Dominant, Autosomal Recessive and X-Linked Classification Criteria (2023). Collection method: clinical testing. Allele origin: unknown.
Comment: This variant is considered benign. This variant is intronic and is not expected to impact mRNA splicing. This variant has been observed at a population frequency that is significantly greater than expected given the associated disease prevalence and penetrance.

Blueprint Genetics
Classification: Likely benign. Last evaluated: 2024-10-18. Review status: criteria provided, single submitter. Criteria: ACMG Guidelines, 2015. Collection method: clinical testing. Allele origin: germline.

Women's Health and Genetics/Laboratory Corporation of America, LabCorp
Classification: Benign. Last evaluated: 2024-01-15. Review status: criteria provided, single submitter. Criteria: LabCorp Variant Classification Summary - May 2015. Collection method: clinical testing. Allele origin: germline.
Comment: Variant summary: MEN1 c.1049+9C>T alters a non-conserved nucleotide located at a position not widely known to affect splicing. Consensus agreement among computation tools predict no significant impact on normal splicing. However, these predictions have yet to be confirmed by functional studies. The variant allele was found at a frequency of 0.00041 in 251372 control chromosomes (gnomAD). The observed variant frequency is approximately 20 fold of the estimated maximal expected allele frequency for a pathogenic variant in MEN1 causing Multiple Endocrine Neoplasia Type 1 phenotype (2.1e-05), strongly suggesting that the variant is benign. The following publication has been ascertained in the context of this evaluation (PMID: 37484956). ClinVar contains an entry for this variant (Variation ID: 36519). Based on the evidence outlined above, the variant was classified as benign.

ARUP Laboratories, Molecular Genetics and Genomics, ARUP Laboratories
Classification: Likely benign. Last evaluated: 2021-11-17. Review status: criteria provided, single submitter. Criteria: ARUP Molecular Germline Variant Investigation Process 2021. Collection method: clinical testing. Allele origin: germline.

Sema4
Classification: Likely benign for Hereditary cancer-predisposing syndrome. Last evaluated: 2021-10-18. Review status: criteria provided, single submitter. Criteria: Sema4 Curation Guidelines. Collection method: curation. Allele origin: germline.

Illumina Laboratory Services, Illumina
Classification: Uncertain significance for Hyperparathyroidism. Last evaluated: 2018-08-15. Review status: criteria provided, single submitter. Criteria: ICSL Variant Classification Criteria 13 December 2019. Collection method: clinical testing. Allele origin: germline.

Illumina Laboratory Services, Illumina
Classification: Benign for Multiple endocrine neoplasia, type 1. Last evaluated: 2018-08-15. Review status: criteria provided, single submitter. Criteria: ICSL Variant Classification Criteria 13 December 2019. Collection method: clinical testing. Allele origin: germline.
Comment: This variant was observed as part of a predisposition screen in an ostensibly healthy population. A literature search was performed for the gene, cDNA change, and amino acid change (where applicable). Publications were found based on this search. The evidence from the literature, in combination with allele frequency data from public databases where available, was sufficient to rule this variant out of causing disease. Therefore, this variant is classified as benign.

GeneDx
Classification: Likely benign. Last evaluated: 2017-12-15. Review status: criteria provided, single submitter. Criteria: GeneDx Variant Classification (06012015). Collection method: clinical testing. Allele origin: germline. Affected: yes.
Comment: This variant is considered likely benign or benign based on one or more of the following criteria: it is a conservative change, it occurs at a poorly conserved position in the protein, it is predicted to be benign by multiple in silico algorithms, and/or has population frequency not consistent with disease.

PreventionGenetics, part of Exact Sciences
Classification: Likely benign. Last evaluated: 2017-08-28. Review status: criteria provided, single submitter. Criteria: ACMG Guidelines, 2015. Collection method: clinical testing. Allele origin: germline.

Ambry Genetics
Classification: Likely benign for Hereditary cancer-predisposing syndrome. Last evaluated: 2015-09-10. Review status: criteria provided, single submitter. Criteria: Ambry Variant Classification Scheme 2023. Collection method: clinical testing. Allele origin: germline.

Literature cited by the submitters: PubMed 37484956 (cited by Women's Health and Genetics/Laboratory Corporation of America, LabCorp); PubMed 15670192 (cited by Illumina Laboratory Services, Illumina).

NM_001370259.2(MEN1):c.1049+9C>T

Gene: MEN1 (menin 1; minus strand). Cytogenetic location: 11q13.1.
Variant type: single nucleotide variant.
Coding change: c.1049+9C>T on transcript NM_001370259.2 (MANE Select); 9 bases into the intron after coding-DNA position 1049, C replaced by T.
Molecular consequence: intron variant.
Genome position (GRCh38, 1-based): chr11:64,806,223, G>A on the plus strand (C>T on the coding strand, the complement: MEN1 is on the minus strand). VCF-style: chr11-64806223-G-A. GRCh37 (hg19) VCF-style: chr11-64573695-G-A.
Other names: c.1064+9C>T (NM_130804.3, NM_130803.3, NM_000244.4 and 3 more transcripts); c.1049+9C>T (NM_130799.3, NM_001370260.2, NM_001370251.2 and 1 more transcripts); c.944+9C>T (NM_001370263.2, NM_001370262.2).
Identifiers: ClinVar variation 36519 (VCV000036519.54), dbSNP rs200517349, ClinGen allele CA008998.